The following is an entry in ClinVar:

ClinVar aggregate classification (germline): Uncertain significance. Review status: criteria provided, multiple submitters, no conflicts (2 of 4 stars). 5 submissions from 3 submitters: Uncertain significance (5). Last evaluated 2025-12-22.

Conditions:
Ehlers-Danlos syndrome, arthrochalasia type. Also called: ARTHROCHALASIS MULTIPLEX CONGENITA; EDS VII, MUTANT PROCOLLAGEN TYPE; EDS VIIA; Ehlers-Danlos syndrome, arthrochalasia type, 1; Ehlers-Danlos syndrome, arthrochalasis type. Identifiers: Orphanet 1899, Orphanet 99875, Orphanet 99876, MedGen C4551623, MONDO:0007525, OMIM 130060.
Osteogenesis imperfecta type I (OI1). Also called: OI, TYPE I; OSTEOGENESIS IMPERFECTA TARDA; OSTEOGENESIS IMPERFECTA WITH BLUE SCLERAE; Classic Non-deforming Osteogenesis Imperfecta with Blue Sclerae; Osteogenesis imperfecta type 1; Lobstein's Disease. Identifiers: Orphanet 216796, Orphanet 666, MedGen C0023931, MONDO:0008146, OMIM 166200. Disease mechanism: loss of function.
Infantile cortical hyperostosis. Also called: P1PK BLOOD GROUP SYSTEM, P(2) PHENOTYPE; Hyperostosis, Cortical, Congenital; Caffey Disease. Identifiers: Orphanet 1310, MedGen C0020497, MONDO:0007244, OMIM 114000.
Osteogenesis imperfecta (OI). Identifiers: Orphanet 666, MedGen C0029434, MeSH D010013, MONDO:0019019.

gnomAD v4.1: 59 of 1,614,130 alleles (0.0037%); highest among the groups gnomAD compares: East Asian, 0.13%; no homozygotes.

Submissions (5):

Women's Health and Genetics/Laboratory Corporation of America, LabCorp
Classification: Uncertain significance. Last evaluated: 2025-12-22. Review status: criteria provided, single submitter. Criteria: LabCorp Variant Classification Summary - May 2015. Collection method: clinical testing. Allele origin: germline.
Comment: Variant summary: COL1A1 c.1910C>G (p.Ala637Gly) results in a non-conservative amino acid change in the encoded protein sequence. Algorithms developed to predict the effect of missense changes on protein structure and function all suggest that this variant is likely to be disruptive. The variant was absent in 251454 control chromosomes. The available data on variant occurrences in the general population are insufficient to allow any conclusion about variant significance. To our knowledge, no occurrence of c.1910C>G in individuals affected with COL1A1-related conditions and no experimental evidence demonstrating its impact on protein function have been reported. ClinVar contains an entry for this variant (Variation ID: 324110). Based on the evidence outlined above, the variant was classified as uncertain significance.

Labcorp Genetics (formerly Invitae), Labcorp
Classification: Uncertain significance for Osteogenesis imperfecta type I. Last evaluated: 2024-01-11. Review status: criteria provided, single submitter. Criteria: Invitae Variant Classification Sherloc (09022015). Collection method: clinical testing. Allele origin: germline.
Comment: This sequence change replaces alanine, which is neutral and non-polar, with glycine, which is neutral and non-polar, at codon 637 of the COL1A1 protein (p.Ala637Gly). This variant is not present in population databases (gnomAD no frequency). This variant has not been reported in the literature in individuals affected with COL1A1-related conditions. ClinVar contains an entry for this variant (Variation ID: 324110). Advanced modeling of protein sequence and biophysical properties (such as structural, functional, and spatial information, amino acid conservation, physicochemical variation, residue mobility, and thermodynamic stability) has been performed at Invitae for this missense variant, however the output from this modeling did not meet the statistical confidence thresholds required to predict the impact of this variant on COL1A1 protein function. In summary, the available evidence is currently insufficient to determine the role of this variant in disease. Therefore, it has been classified as a Variant of Uncertain Significance.

Illumina Laboratory Services, Illumina
Classification: Uncertain significance for Osteogenesis imperfecta. Last evaluated: 2018-01-13. Review status: criteria provided, single submitter. Criteria: ICSL Variant Classification Criteria 13 December 2019. Collection method: clinical testing. Allele origin: germline.

Illumina Laboratory Services, Illumina
Classification: Uncertain significance for Ehlers-Danlos syndrome, arthrochalasia type. Last evaluated: 2018-01-13. Review status: criteria provided, single submitter. Criteria: ICSL Variant Classification Criteria 13 December 2019. Collection method: clinical testing. Allele origin: germline.

Illumina Laboratory Services, Illumina
Classification: Uncertain significance for Infantile cortical hyperostosis. Last evaluated: 2018-01-13. Review status: criteria provided, single submitter. Criteria: ICSL Variant Classification Criteria 13 December 2019. Collection method: clinical testing. Allele origin: germline.

NM_000088.4(COL1A1):c.1910C>G (p.Ala637Gly)

Gene: COL1A1 (collagen type I alpha 1 chain; minus strand). Cytogenetic location: 17q21.33.
Variant type: single nucleotide variant.
Coding change: c.1910C>G on transcript NM_000088.4 (MANE Select); coding-DNA position 1910, C replaced by G.
Protein change: p.Ala637Gly; replaces alanine 637 with glycine.
Molecular consequence: missense variant.
Genome position (GRCh38, 1-based): chr17:50,192,659, G>C on the plus strand (C>G on the coding strand, the complement: COL1A1 is on the minus strand). VCF-style: chr17-50192659-G-C. GRCh37 (hg19) VCF-style: chr17-48270020-G-C.
Other names: short protein forms A637G.
Identifiers: ClinVar variation 324110 (VCV000324110.12), dbSNP rs886053161, ClinGen allele CA10640065.
Genomic context (GRCh38, chr17:50,192,659, plus strand): 5'-TACCCCTACCTCCCAGCATCCTGACAGCCATGAGGCCTCACCTGGAATCCGGGGGAGCCA[G>C]CAGGGCCTTGTTCACCTCTCTCGCCAGCGGGACCCTGCACAGAGAGAACACTACAGTCAC-3'
Protein context (NP_000079.2, residues 627-647): PAGERGEQGP[Ala637Gly]GSPGFQGLPG